The following is an entry in ClinVar:

NM_000186.4(CFH):c.3329G>C (p.Gly1110Ala)

Gene: CFH (complement factor H; plus strand). Cytogenetic location: 1q31.3.
Variant type: single nucleotide variant.
Coding change: c.3329G>C on transcript NM_000186.4 (MANE Select); coding-DNA position 3329, G replaced by C.
Protein change: p.Gly1110Ala; replaces glycine 1110 with alanine.
Molecular consequence: missense variant.
Genome position (GRCh38, 1-based): chr1:196,745,835, G>C. VCF-style: chr1-196745835-G-C. GRCh37 (hg19) VCF-style: chr1-196714965-G-C.
Other names: short protein forms G1110A.
Identifiers: ClinVar variation 2156545 (VCV002156545.5), dbSNP rs201538141, ClinGen allele CA1305937.

ClinVar aggregate classification (germline): Uncertain significance. Review status: criteria provided, multiple submitters, no conflicts (2 of 4 stars). 2 submissions from 2 submitters: Uncertain significance (2). Last evaluated 2025-10-02.

Conditions:
Atypical hemolytic-uremic syndrome. Identifiers: Orphanet 2134, MedGen C2931788, MONDO:0016244.

Allele frequency attached by ClinVar (database versions not stated): gnomAD 0.00003; gnomAD exomes 0.00003; ExAC 0.00005; TOPMed 0.00005; 1000 Genomes Project 30x 0.00016; 1000 Genomes Project 0.00020.
gnomAD v4.1: 48 of 1,613,950 alleles (0.003%); highest among the groups gnomAD compares: East Asian, 0.078%; no homozygotes.

Submissions (2):

Genomenon, Inc
Classification: Uncertain significance for Atypical hemolytic-uremic syndrome. Last evaluated: 2025-10-02. Review status: criteria provided, single submitter. Criteria: Genomenon Sequence Variant Interpretation Standards - Updated. Collection method: curation. Allele origin: germline. Affected: yes.
Comment: CFH p.Gly1110Ala (c.3329G>C) is a missense variant that changes the amino acid at residue 1110 from Glycine to Alanine. This variant has been observed in at least one proband affected with atypical hemolytic-uremic syndrome (PMID:33213850;31328266;32361709). In conclusion, we classify CFH p.Gly1110Ala (c.3329G>C) as a variant of uncertain significance.

Labcorp Genetics (formerly Invitae), Labcorp
Classification: Uncertain significance. Last evaluated: 2025-05-18. Review status: criteria provided, single submitter. Criteria: Invitae Variant Classification Sherloc (09022015). Collection method: clinical testing. Allele origin: germline.
Comment: This sequence change replaces glycine, which is neutral and non-polar, with alanine, which is neutral and non-polar, at codon 1110 of the CFH protein (p.Gly1110Ala). This variant is present in population databases (rs201538141, gnomAD 0.06%). This missense change has been observed in individual(s) with clinical features of atypical hemolytic uremic syndrome (PMID: 31328266, 33213850). ClinVar contains an entry for this variant (Variation ID: 2156545). An algorithm developed to predict the effect of missense changes on protein structure and function (PolyPhen-2) suggests that this variant is likely to be disruptive. In summary, the available evidence is currently insufficient to determine the role of this variant in disease. Therefore, it has been classified as a Variant of Uncertain Significance.

Literature cited by the submitters: PubMed 33213850 (cited by Genomenon, Inc and Labcorp Genetics (formerly Invitae), Labcorp); PubMed 31328266 (cited by Genomenon, Inc and Labcorp Genetics (formerly Invitae), Labcorp); PubMed 32361709 (cited by Genomenon, Inc).